The following is an entry in ClinVar:

NM_001197104.2(KMT2A):c.1930C>T (p.Arg644Cys)

Gene: KMT2A (lysine methyltransferase 2A; plus strand). Cytogenetic location: 11q23.3.
Variant type: single nucleotide variant.
Coding change: c.1930C>T on transcript NM_001197104.2 (MANE Select); coding-DNA position 1930, C replaced by T.
Protein change: p.Arg644Cys; replaces arginine 644 with cysteine.
Molecular consequence: missense variant.
Genome position (GRCh38, 1-based): chr11:118,473,089, C>T. VCF-style: chr11-118473089-C-T. GRCh37 (hg19) VCF-style: chr11-118343804-C-T.
Other names: c.2029C>T, p.Arg677Cys (NM_001412597.1); c.1930C>T, p.Arg644Cys (NM_005933.4); short protein forms R644C, R677C.
Identifiers: ClinVar variation 4805969 (VCV004805969.1).

ClinVar aggregate classification (germline): Uncertain significance (1 of 4 stars; one submission).

gnomAD v4.1: 1 of 1,614,158 alleles (0.000062%); highest among the groups gnomAD compares: Non-Finnish European, 0.000085%; no homozygotes.

Submission:

Labcorp Genetics (formerly Invitae), Labcorp
Classification: Uncertain significance. Last evaluated: 2025-07-11. Review status: criteria provided, single submitter. Criteria: Invitae Variant Classification Sherloc (09022015). Collection method: clinical testing. Allele origin: germline.
Comment: This sequence change replaces arginine, which is basic and polar, with cysteine, which is neutral and slightly polar, at codon 644 of the KMT2A protein (p.Arg644Cys). This variant is not present in population databases (gnomAD no frequency). This variant has not been reported in the literature in individuals affected with KMT2A-related conditions. Invitae Evidence Modeling of protein sequence and biophysical properties (such as structural, functional, and spatial information, amino acid conservation, physicochemical variation, residue mobility, and thermodynamic stability) indicates that this missense variant is expected to disrupt KMT2A protein function with a positive predictive value of 95%. In summary, the available evidence is currently insufficient to determine the role of this variant in disease. Therefore, it has been classified as a Variant of Uncertain Significance.